The following is an entry in ClinVar:

NM_001378454.1(ALMS1):c.869G>C (p.Ser290Thr)

Gene: ALMS1 (ALMS1 centrosome and basal body associated protein; plus strand). Cytogenetic location: 2p13.1.
Variant type: single nucleotide variant.
Coding change: c.869G>C on transcript NM_001378454.1 (MANE Select); coding-DNA position 869, G replaced by C.
Protein change: p.Ser290Thr; replaces serine 290 with threonine.
Molecular consequence: missense variant.
Genome position (GRCh38, 1-based): chr2:73,424,534, G>C. VCF-style: chr2-73424534-G-C. GRCh37 (hg19) VCF-style: chr2-73651662-G-C.
Other names: c.872G>C, p.Ser291Thr (NM_015120.4); short protein forms S290T, S291T.
Identifiers: ClinVar variation 4990488 (VCV004990488.1).

ClinVar aggregate classification (germline): Uncertain significance (1 of 4 stars; one submission).

Conditions:
ALMS1-related disorder. Also called: ALMS1-related condition.

Submission:

PreventionGenetics, part of Exact Sciences
Classification: Uncertain significance for ALMS1-related condition. Last evaluated: 2026-09-14. Review status: criteria provided, single submitter. Criteria: ACMG Guidelines, 2015. Collection method: clinical testing. Allele origin: germline.
Comment: The ALMS1 c.872G>C variant is predicted to result in the amino acid substitution p.Ser291Thr. To our knowledge, this variant has not been reported in the literature. This variant is reported in 0.0027% of alleles in individuals of European (Non-Finnish) descent in gnomAD. At this time, the clinical significance of this variant is uncertain due to the absence of conclusive functional and genetic evidence.